The following is an entry in ClinVar:

ClinVar aggregate classification (germline): Uncertain significance (1 of 4 stars; one submission).

Submission:

Labcorp Genetics (formerly Invitae), Labcorp
Classification: Uncertain significance. Last evaluated: 2021-03-25. Review status: criteria provided, single submitter. Criteria: Invitae Variant Classification Sherloc (09022015). Collection method: clinical testing. Allele origin: germline.
Comment: This variant, c.4090_4095del, results in the deletion of 2 amino acid(s) of the NEXMIF protein (p.Leu1364_Lys1365del), but otherwise preserves the integrity of the reading frame. This variant is not present in population databases (ExAC no frequency). This variant has not been reported in the literature in individuals with NEXMIF-related conditions. Experimental studies and prediction algorithms are not available or were not evaluated, and the functional significance of this variant is currently unknown. In summary, the available evidence is currently insufficient to determine the role of this variant in disease. Therefore, it has been classified as a Variant of Uncertain Significance.

NM_001008537.3(NEXMIF):c.4090_4095del (p.1362LK[1])

Gene: NEXMIF (neurite extension and migration factor; minus strand). Cytogenetic location: Xq13.3.
Variant type: Deletion.
Coding change: c.4090_4095del on transcript NM_001008537.3 (MANE Select); coding-DNA positions 4090 to 4095, 6 bases deleted (TTAAAA; older notation c.4090_4095delTTAAAA).
Protein change: p.1362LK[1].
Molecular consequence: inframe deletion.
Genome position (GRCh38, 1-based): chrX:74,740,462-74,740,467, TTTTAA deleted on the plus strand (TTAAAA on the coding strand, the reverse complement: NEXMIF is on the minus strand); deleting any 6 consecutive bases within chrX:74,740,462-74,740,472 gives the same sequence; the c. name uses the placement nearest the transcript's 3' end. VCF-style (leftmost placement, unchanged base first): chrX-74740461-TTTTTAA-T. GRCh37 (hg19) VCF-style: chrX-73960296-TTTTTAA-T.
Identifiers: ClinVar variation 1514868 (VCV001514868.8), dbSNP rs2147439001, ClinGen allele CA2527150627.
Genomic context (GRCh38, chrX:74,740,461, plus strand): 5'-GGGACCCACTGTTGATCTTTTTCTTAGACTCCTGTGGTGTCCCAGCCAATATTTTGAGGG[TTTTTAA>T]TTTTAGACTATTGGACTCAGGGGAGTAGAATATGTTGGGATCCCCATGGTGCTCCATGGG-3'